The following is an entry in ClinVar:

ClinVar aggregate classification (germline): Benign/Likely benign. Review status: criteria provided, multiple submitters, no conflicts (2 of 4 stars). 7 submissions from 7 submitters: Benign (6); Likely benign (1). Last evaluated 2026-09-01.

Conditions:
Saldino-Mainzer syndrome (SRTD9). Also called: Renal dysplasia, retinal pigmentary dystrophy, cerebellar ataxia and skeletal dysplasia; CONORENAL SYNDROME; SHORT-RIB THORACIC DYSPLASIA 9 WITHOUT POLYDACTYLY; short-rib thoracic dysplasia 9 with or without polydactyly. Identifiers: Orphanet 140969, MedGen C1849437, MONDO:0009964, OMIM 266920.

Allele frequency attached by ClinVar (database versions not stated): 1000 Genomes Project 30x 0.00265; 1000 Genomes Project 0.00280; TOPMed 0.00566; ExAC 0.00693; gnomAD exomes 0.00694 and 0.00958; gnomAD 0.00695 and 0.00699; ESP Exome Variant Server 0.00715.
gnomAD v4.1: 14,968 of 1,614,188 alleles (0.93%); highest among the groups gnomAD compares: Non-Finnish European, 1.1%; 85 homozygotes.

Submissions (7):

CeGaT Center for Human Genetics Tuebingen
Classification: Benign. Last evaluated: 2026-09-01. Review status: criteria provided, single submitter. Criteria: CeGaT Center For Human Genetics Tuebingen Variant Classification Criteria Version 2. Collection method: clinical testing. Allele origin: germline. Affected: yes. Observed: 36 variant alleles.
Comment: IFT140: BP4, BS1, BS2

Labcorp Genetics (formerly Invitae), Labcorp
Classification: Benign for Saldino-Mainzer syndrome. Last evaluated: 2026-02-01. Review status: criteria provided, single submitter. Criteria: Invitae Variant Classification Sherloc (09022015). Collection method: clinical testing. Allele origin: germline.

Blueprint Genetics
Classification: Likely benign. Last evaluated: 2024-11-27. Review status: criteria provided, single submitter. Criteria: ACMG Guidelines, 2015. Collection method: clinical testing. Allele origin: germline.

Mayo Clinic Laboratories, Mayo Clinic
Classification: Benign. Last evaluated: 2024-01-05. Review status: criteria provided, single submitter. Criteria: ACMG Guidelines, 2015. Collection method: clinical testing. Allele origin: germline. Observed: 1 variant allele.
Comment: BS1, BS2, BP4

Illumina Laboratory Services, Illumina
Classification: Benign for Saldino-Mainzer syndrome. Last evaluated: 2017-04-27. Review status: criteria provided, single submitter. Criteria: ICSL Variant Classification Criteria 13 December 2019. Collection method: clinical testing. Allele origin: germline.
Comment: This variant was observed as part of a predisposition screen in an ostensibly healthy population. A literature search was performed for the gene, cDNA change, and amino acid change (where applicable). Publications were found based on this search. The evidence from the literature, in combination with allele frequency data from public databases where available, was sufficient to rule this variant out of causing disease. Therefore, this variant is classified as benign.

Eurofins Ntd Llc (ga)
Classification: Benign. Last evaluated: 2017-02-28. Review status: criteria provided, single submitter. Criteria: EGL Classification Definitions 2015. Collection method: clinical testing. Allele origin: germline. Observed: 1 variant allele, 1 heterozygote.

Breakthrough Genomics
Classification: Benign. Review status: criteria provided, single submitter. Criteria: ACMG Guidelines, 2015. Collection method: not provided. Allele origin: germline. Inheritance: Autosomal recessive inheritance. Affected: yes.

Literature cited by the submitters: PubMed 27058611 (cited by Mayo Clinic Laboratories, Mayo Clinic and Illumina Laboratory Services, Illumina).

NM_014714.4(IFT140):c.322G>A (p.Val108Met)

Genes: IFT140 (intraflagellar transport 140; minus strand), LOC105371046 (uncharacterized LOC105371046; plus strand). Cytogenetic location: 16p13.3.
Variant type: single nucleotide variant.
Coding change: c.322G>A on transcript NM_014714.4 (MANE Select); coding-DNA position 322, G replaced by A.
Protein change: p.Val108Met; replaces valine 108 with methionine.
Molecular consequence: missense variant.
Genome position (GRCh38, 1-based): chr16:1,602,417, C>T on the plus strand (G>A on the coding strand, the complement: IFT140 is on the minus strand). VCF-style: chr16-1602417-C-T. GRCh37 (hg19) VCF-style: chr16-1652418-C-T.
Other names: p.Val108Met; short protein forms V108M.
Identifiers: ClinVar variation 465318 (VCV000465318.45), dbSNP rs146128830, ClinGen allele CA7814750.